The following is an entry in ClinVar:

ClinVar aggregate classification (germline): Uncertain significance (1 of 4 stars; one submission).

gnomAD v4.1: 5 of 1,614,184 alleles (0.00031%); highest among the groups gnomAD compares: Non-Finnish European, 0.00042%; no homozygotes.

Submission:

Labcorp Genetics (formerly Invitae), Labcorp
Classification: Uncertain significance. Last evaluated: 2025-09-29. Review status: criteria provided, single submitter. Criteria: Invitae Variant Classification Sherloc (09022015). Collection method: clinical testing. Allele origin: germline.
Comment: This sequence change replaces glycine, which is neutral and non-polar, with serine, which is neutral and polar, at codon 431 of the MCM5 protein (p.Gly431Ser). This variant is not present in population databases (gnomAD no frequency). This variant has not been reported in the literature in individuals affected with MCM5-related conditions. Invitae Evidence Modeling of protein sequence and biophysical properties (such as structural, functional, and spatial information, amino acid conservation, physicochemical variation, residue mobility, and thermodynamic stability) indicates that this missense variant is not expected to disrupt MCM5 protein function with a negative predictive value of 80%. In summary, the available evidence is currently insufficient to determine the role of this variant in disease. Therefore, it has been classified as a Variant of Uncertain Significance.

NM_006739.4(MCM5):c.1291G>A (p.Gly431Ser)

Gene: MCM5 (minichromosome maintenance complex component 5; plus strand). Cytogenetic location: 22q12.3.
Variant type: single nucleotide variant.
Coding change: c.1291G>A on transcript NM_006739.4 (MANE Select); coding-DNA position 1291, G replaced by A.
Protein change: p.Gly431Ser; replaces glycine 431 with serine.
Molecular consequence: missense variant.
Genome position (GRCh38, 1-based): chr22:35,415,916, G>A. VCF-style: chr22-35415916-G-A. GRCh37 (hg19) VCF-style: chr22-35811909-G-A.
Other names: short protein forms G431S.
Identifiers: ClinVar variation 4806997 (VCV004806997.1).
Genomic context (GRCh38, chr22:35,415,916, plus strand): 5'-GCAGCTGGACTGACAGCCTCGGTGATGAGGGACCCTTCGTCCCGGAATTTCATCATGGAG[G>A]GCGGAGCCATGGTCCTGGCCGATGGTGGGGTCGTCTGTATTGACGAGTTTGACAAGGTGA-3'
Protein context (NP_006730.2, residues 421-441): DPSSRNFIME[Gly431Ser]GAMVLADGGV